The following is an entry in ClinVar:

ClinVar aggregate classification (germline): Uncertain significance (1 of 4 stars; one submission).

Submission:

Greenwood Genetic Center Diagnostic Laboratories, Greenwood Genetic Center
Classification: Uncertain significance. Last evaluated: 2023-07-27. Review status: criteria provided, single submitter. Criteria: ACMG Guidelines, 2015. Collection method: clinical testing. Allele origin: germline. Affected: yes.
Comment: PM2

NM_016284.5(CNOT1):c.2906C>G (p.Pro969Arg)

Gene: CNOT1 (CCR4-NOT transcription complex subunit 1; minus strand). Cytogenetic location: 16q21.
Variant type: single nucleotide variant.
Coding change: c.2906C>G on transcript NM_016284.5 (MANE Select); coding-DNA position 2906, C replaced by G.
Protein change: p.Pro969Arg; replaces proline 969 with arginine.
Molecular consequence: missense variant. On other transcripts: non-coding transcript variant (1).
Genome position (GRCh38, 1-based): chr16:58,553,846, G>C on the plus strand (C>G on the coding strand, the complement: CNOT1 is on the minus strand). VCF-style: chr16-58553846-G-C. GRCh37 (hg19) VCF-style: chr16-58587750-G-C.
Other names: c.2891C>G, p.Pro964Arg (NM_001265612.2); c.2906C>G, p.Pro969Arg (NM_206999.3); short protein forms P964R, P969R.
Identifiers: ClinVar variation 2627002 (VCV002627002.1), dbSNP rs2543946519, ClinGen allele CA396173309.